The following is an entry in ClinVar:

NM_000057.4(BLM):c.1634G>A (p.Arg545Lys)

Gene: BLM (BLM RecQ like helicase; plus strand). Cytogenetic location: 15q26.1.
Variant type: single nucleotide variant.
Coding change: c.1634G>A on transcript NM_000057.4 (MANE Select); coding-DNA position 1634, G replaced by A.
Protein change: p.Arg545Lys; replaces arginine 545 with lysine.
Molecular consequence: missense variant.
Genome position (GRCh38, 1-based): chr15:90,761,007, G>A. VCF-style: chr15-90761007-G-A. GRCh37 (hg19) VCF-style: chr15-91304237-G-A.
Other names: c.1634G>A, p.Arg545Lys (NM_001287246.2, NM_001287247.2); c.509G>A, p.Arg170Lys (NM_001287248.2); short protein forms R545K, R170K.
Identifiers: ClinVar variation 2802664 (VCV002802664.3), dbSNP rs2505427665, ClinGen allele CA393843490.
Genomic context (GRCh38, chr15:90,761,007, plus strand): 5'-TCACAAGCACTGCTGTGAAAGATCAGAATAAACATACTGCTTCAATAAATGACTTAGAAA[G>A]AGAAACCCAACCTTCCTATGATATTGATAATTTTGACATAGATGACTTTGATGATGATGA-3'
Protein context (NP_000048.1, residues 535-555): KHTASINDLE[Arg545Lys]ETQPSYDIDN

ClinVar aggregate classification (germline): Uncertain significance (1 of 4 stars; one submission).

Conditions:
Bloom syndrome (BLM). Also called: Bloom-Torre-Machacek syndrome. Identifiers: Orphanet 125, MedGen C0005859, MONDO:0008876, OMIM 210900.

Allele frequency attached by ClinVar (database versions not stated): gnomAD exomes below 0.00001.
gnomAD v4.1: 1 of 1,608,080 alleles (0.000062%); highest among the groups gnomAD compares: Non-Finnish European, 0.000085%; no homozygotes.

Submission:

Labcorp Genetics (formerly Invitae), Labcorp
Classification: Uncertain significance for Bloom syndrome. Last evaluated: 2023-08-22. Review status: criteria provided, single submitter. Criteria: Invitae Variant Classification Sherloc (09022015). Collection method: clinical testing. Allele origin: germline.
Comment: This variant has not been reported in the literature in individuals affected with BLM-related conditions. This variant is not present in population databases (gnomAD no frequency). This sequence change replaces arginine, which is basic and polar, with lysine, which is basic and polar, at codon 545 of the BLM protein (p.Arg545Lys). Advanced modeling of protein sequence and biophysical properties (such as structural, functional, and spatial information, amino acid conservation, physicochemical variation, residue mobility, and thermodynamic stability) performed at Invitae indicates that this missense variant is not expected to disrupt BLM protein function. In summary, the available evidence is currently insufficient to determine the role of this variant in disease. Therefore, it has been classified as a Variant of Uncertain Significance.